The following is an entry in ClinVar:

NM_003664.5(AP3B1):c.1031G>A (p.Arg344His)

Gene: AP3B1 (adaptor related protein complex 3 subunit beta 1; minus strand). Cytogenetic location: 5q14.1.
Variant type: single nucleotide variant.
Coding change: c.1031G>A on transcript NM_003664.5 (MANE Select); coding-DNA position 1031, G replaced by A.
Protein change: p.Arg344His; replaces arginine 344 with histidine.
Molecular consequence: missense variant.
Genome position (GRCh38, 1-based): chr5:78,177,348, C>T on the plus strand (G>A on the coding strand, the complement: AP3B1 is on the minus strand). VCF-style: chr5-78177348-C-T. GRCh37 (hg19) VCF-style: chr5-77473172-C-T.
Other names: c.884G>A, p.Arg295His (NM_001271769.2); short protein forms R295H, R344H.
Identifiers: ClinVar variation 1043789 (VCV001043789.6), dbSNP rs765852823, ClinGen allele CA3317236.

ClinVar aggregate classification (germline): Uncertain significance (1 of 4 stars; one submission).

Conditions:
Hermansky-Pudlak syndrome 2 (HPS2). Also called: Platelet defects and oculocutaneous albinism. Identifiers: Orphanet 183678, Orphanet 79430, MedGen C1842362, MONDO:0011997, OMIM 608233.

Allele frequency attached by ClinVar (database versions not stated): ExAC 0.00002; gnomAD exomes 0.00002; TOPMed 0.00003; gnomAD 0.00007 and 0.00008.
gnomAD v4.1: 39 of 1,611,506 alleles (0.0024%); highest among the groups gnomAD compares: Admixed American, 0.0083%; no homozygotes.

Submission:

Labcorp Genetics (formerly Invitae), Labcorp
Classification: Uncertain significance for Hermansky-Pudlak syndrome 2. Last evaluated: 2022-07-09. Review status: criteria provided, single submitter. Criteria: Invitae Variant Classification Sherloc (09022015). Collection method: clinical testing. Allele origin: germline.
Comment: This sequence change replaces arginine, which is basic and polar, with histidine, which is basic and polar, at codon 344 of the AP3B1 protein (p.Arg344His). This variant is present in population databases (rs765852823, gnomAD 0.008%). This variant has not been reported in the literature in individuals affected with AP3B1-related conditions. ClinVar contains an entry for this variant (Variation ID: 1043789). Algorithms developed to predict the effect of missense changes on protein structure and function are either unavailable or do not agree on the potential impact of this missense change (SIFT: "Deleterious"; PolyPhen-2: "Benign"; Align-GVGD: "Class C0"). In summary, the available evidence is currently insufficient to determine the role of this variant in disease. Therefore, it has been classified as a Variant of Uncertain Significance.